The following is an entry in ClinVar:

ClinVar aggregate classification (germline): Uncertain significance. Review status: criteria provided, multiple submitters, no conflicts (2 of 4 stars). 3 submissions from 3 submitters: Uncertain significance (2). 1 of the submissions does not count toward it. Last evaluated 2025-12-09.

Conditions:
Dystrophin deficiency.
Cardiomyopathy (CMYO). Also called: Cardiomyopathies. Identifiers: Orphanet 167848, MedGen C0878544, MONDO:0004994, HP:0001638. Inheritance: Various modes of inheritance.
Becker muscular dystrophy (BMD). Also called: Becker Muscular Dystrophy (BMD); MUSCULAR DYSTROPHY, PSEUDOHYPERTROPHIC PROGRESSIVE, BECKER TYPE. Identifiers: Orphanet 98895, MedGen C0917713, MONDO:0010311, OMIM 300376.
Duchenne muscular dystrophy (DMD). Also called: Duchenne Muscular Dystrophy (DMD); MUSCULAR DYSTROPHY, PSEUDOHYPERTROPHIC PROGRESSIVE, DUCHENNE TYPE. Identifiers: Orphanet 98896, MedGen C0013264, MONDO:0010679, OMIM 310200.
Dilated cardiomyopathy 3B (CMD3B). Also called: CMD3B: DMD-Related Dilated Cardiomyopathy; CARDIOMYOPATHY, DILATED, X-LINKED; DMD-Associated Dilated Cardiomyopathy. Identifiers: Orphanet 154, MedGen C3668940, MONDO:0010542, OMIM 302045.

Allele frequency attached by ClinVar (database versions not stated): gnomAD exomes 0.00003 and 0.00001; gnomAD 0.00001; TOPMed 0.00001.
gnomAD v4.1: 32 of 1,208,848 alleles (0.0026%); highest among the groups gnomAD compares: Non-Finnish European, 0.0034%; no homozygotes.

Submissions (3):

Labcorp Genetics (formerly Invitae), Labcorp
Classification: Uncertain significance for Duchenne muscular dystrophy. Last evaluated: 2025-12-09. Review status: criteria provided, single submitter. Criteria: Invitae Variant Classification Sherloc (09022015). Collection method: clinical testing. Allele origin: germline.
Comment: This sequence change replaces lysine, which is basic and polar, with asparagine, which is neutral and polar, at codon 1031 of the DMD protein (p.Lys1031Asn). The frequency data for this variant in the population databases is considered unreliable, as metrics indicate poor data quality at this position in the gnomAD database. This variant has not been reported in the literature in individuals affected with DMD-related conditions. ClinVar contains an entry for this variant (Variation ID: 526067). Invitae Evidence Modeling of protein sequence and biophysical properties (such as structural, functional, and spatial information, amino acid conservation, physicochemical variation, residue mobility, and thermodynamic stability) indicates that this missense variant is not expected to disrupt DMD protein function with a negative predictive value of 95%. In summary, the available evidence is currently insufficient to determine the role of this variant in disease. Therefore, it has been classified as a Variant of Uncertain Significance.

Illumina Laboratory Services, Illumina
Classification: Uncertain significance for Dilated cardiomyopathy 3B. Last evaluated: 2018-01-12. Review status: criteria provided, single submitter. Criteria: ICSL Variant Classification Criteria 13 December 2019. Collection method: clinical testing. Allele origin: germline.

Natera, Inc.
Classification: Uncertain significance for Becker muscular dystrophy; Cardiomyopathy; Duchenne muscular dystrophy; Dystrophin deficiency. Last evaluated: 2019-05-24. Review status: no assertion criteria provided. Collection method: clinical testing. Allele origin: germline. Not counted in ClinVar's aggregate classification.

NM_004006.3(DMD):c.3093G>T (p.Lys1031Asn)

Gene: DMD (dystrophin; minus strand). Cytogenetic location: Xp21.1.
Variant type: single nucleotide variant.
Coding change: c.3093G>T on transcript NM_004006.3 (MANE Select); coding-DNA position 3093, G replaced by T.
Protein change: p.Lys1031Asn; replaces lysine 1031 with asparagine.
Molecular consequence: missense variant.
Genome position (GRCh38, 1-based): chrX:32,468,567, C>A on the plus strand (G>T on the coding strand, the complement: DMD is on the minus strand). VCF-style: chrX-32468567-C-A. GRCh37 (hg19) VCF-style: chrX-32486684-C-A.
Other names: c.3069G>T, p.Lys1023Asn (NM_000109.4); c.3081G>T, p.Lys1027Asn (NM_004009.3); c.2724G>T, p.Lys908Asn (NM_004010.3); short protein forms K1031N, K1027N, K908N, K1023N.
Identifiers: ClinVar variation 526067 (VCV000526067.11), dbSNP rs1220406312, ClinGen allele CA412666882.